The following is an entry in ClinVar:

ClinVar aggregate classification (germline): Uncertain significance (1 of 4 stars; one submission).

Allele frequency attached by ClinVar (database versions not stated): gnomAD exomes below 0.00001; TOPMed 0.00003.
gnomAD v4.1: 2 of 1,612,076 alleles (0.00012%); highest among the groups gnomAD compares: African/African-American, 0.0027%; no homozygotes.

Submission:

Labcorp Genetics (formerly Invitae), Labcorp
Classification: Uncertain significance. Last evaluated: 2024-01-08. Review status: criteria provided, single submitter. Criteria: Invitae Variant Classification Sherloc (09022015). Collection method: clinical testing. Allele origin: germline.
Comment: This sequence change replaces threonine, which is neutral and polar, with isoleucine, which is neutral and non-polar, at codon 358 of the MYO6 protein (p.Thr358Ile). This variant is not present in population databases (gnomAD no frequency). This variant has not been reported in the literature in individuals affected with MYO6-related conditions. Advanced modeling of protein sequence and biophysical properties (such as structural, functional, and spatial information, amino acid conservation, physicochemical variation, residue mobility, and thermodynamic stability) performed at Invitae indicates that this missense variant is not expected to disrupt MYO6 protein function with a negative predictive value of 80%. In summary, the available evidence is currently insufficient to determine the role of this variant in disease. Therefore, it has been classified as a Variant of Uncertain Significance.

NM_004999.4(MYO6):c.1073C>T (p.Thr358Ile)

Gene: MYO6 (myosin VI; plus strand). Cytogenetic location: 6q14.1.
Variant type: single nucleotide variant.
Coding change: c.1073C>T on transcript NM_004999.4 (MANE Select); coding-DNA position 1073, C replaced by T.
Protein change: p.Thr358Ile; replaces threonine 358 with isoleucine.
Molecular consequence: missense variant. On other transcripts: non-coding transcript variant (1).
Genome position (GRCh38, 1-based): chr6:75,848,526, C>T. VCF-style: chr6-75848526-C-T. GRCh37 (hg19) VCF-style: chr6-76558243-C-T.
Other names: c.1073C>T, p.Thr358Ile (NM_001300899.2, NM_001368136.1, NM_001368137.1 and 2 more transcripts); c.1058C>T, p.Thr353Ile (NM_001368138.1); short protein forms T353I, T358I.
Identifiers: ClinVar variation 2838203 (VCV002838203.3), dbSNP rs907535942, ClinGen allele CA141050390.